The following is an entry in ClinVar:

ClinVar aggregate classification (germline): Uncertain significance (1 of 4 stars; one submission).

Conditions:
Inborn genetic diseases. Identifiers: MedGen C0950123, MeSH D030342.

Submission:

Ambry Genetics
Classification: Uncertain significance for Inborn genetic diseases. Last evaluated: 2026-06-06. Review status: criteria provided, single submitter. Criteria: Ambry Variant Classification Scheme 2023. Collection method: clinical testing. Allele origin: germline.
Comment: The p.N508K variant (also known as c.1524T>G), located in coding exon 15 of the ANKRD26 gene, results from a T to G substitution at nucleotide position 1524. The asparagine at codon 508 is replaced by lysine, an amino acid with similar properties. This amino acid position is conserved. In addition, this alteration is predicted to be tolerated by in silico analysis. Based on the available evidence, the clinical significance of this variant remains unclear.

NM_014915.3(ANKRD26):c.1524T>G (p.Asn508Lys)

Gene: ANKRD26 (ankyrin repeat domain 26; minus strand). Cytogenetic location: 10p12.1.
Variant type: single nucleotide variant.
Coding change: c.1524T>G on transcript NM_014915.3 (MANE Select); coding-DNA position 1524, T replaced by G.
Protein change: p.Asn508Lys; replaces asparagine 508 with lysine.
Molecular consequence: missense variant.
Genome position (GRCh38, 1-based): chr10:27,060,385, A>C on the plus strand (T>G on the coding strand, the complement: ANKRD26 is on the minus strand). VCF-style: chr10-27060385-A-C. GRCh37 (hg19) VCF-style: chr10-27349314-A-C.
Other names: c.1524T>G, p.Asn508Lys (NM_001256053.2); short protein forms N508K.
Identifiers: ClinVar variation 4859974 (VCV004859974.1).